The following is an entry in ClinVar:

ClinVar aggregate classification (germline): Uncertain significance. Review status: criteria provided, multiple submitters, no conflicts (2 of 4 stars). 2 submissions from 2 submitters: Uncertain significance (2). Last evaluated 2024-02-23.

gnomAD v4.1: 4 of 1,613,880 alleles (0.00025%); highest among the groups gnomAD compares: Non-Finnish European, 0.00017%; no homozygotes.

Submissions (2):

Labcorp Genetics (formerly Invitae), Labcorp
Classification: Uncertain significance. Last evaluated: 2024-02-23. Review status: criteria provided, single submitter. Criteria: Invitae Variant Classification Sherloc (09022015). Collection method: clinical testing. Allele origin: germline.
Comment: This sequence change replaces tyrosine, which is neutral and polar, with phenylalanine, which is neutral and non-polar, at codon 2984 of the VCAN protein (p.Tyr2984Phe). This variant is not present in population databases (gnomAD no frequency). This variant has not been reported in the literature in individuals affected with VCAN-related conditions. Algorithms developed to predict the effect of missense changes on protein structure and function output the following: SIFT: "Not Available"; PolyPhen-2: "Benign"; Align-GVGD: "Not Available". The phenylalanine amino acid residue is found in multiple mammalian species, which suggests that this missense change does not adversely affect protein function. In summary, the available evidence is currently insufficient to determine the role of this variant in disease. Therefore, it has been classified as a Variant of Uncertain Significance.

Blueprint Genetics
Classification: Uncertain significance. Last evaluated: 2019-02-28. Review status: criteria provided, single submitter. Criteria: ACMG Guidelines, 2015. Collection method: clinical testing. Allele origin: germline.

NM_004385.5(VCAN):c.8951A>T (p.Tyr2984Phe)

Genes: VCAN (versican; plus strand), VCAN-AS1 (VCAN antisense RNA 1; minus strand). Cytogenetic location: 5q14.3.
Variant type: single nucleotide variant.
Coding change: c.8951A>T on transcript NM_004385.5 (MANE Select); coding-DNA position 8951, A replaced by T.
Protein change: p.Tyr2984Phe; replaces tyrosine 2984 with phenylalanine.
Molecular consequence: missense variant. On other transcripts: intron variant (2).
Genome position (GRCh38, 1-based): chr5:83,541,954, A>T. VCF-style: chr5-83541954-A-T. GRCh37 (hg19) VCF-style: chr5-82837773-A-T.
Other names: c.5990A>T, p.Tyr1997Phe (NM_001164097.2); c.4004-3583A>T (NM_001164098.2); c.1043-3583A>T (NM_001126336.3); short protein forms Y2984F, Y1997F.
Identifiers: ClinVar variation 3685137 (VCV003685137.3).